The following is an entry in ClinVar:

ClinVar aggregate classification (germline): Uncertain significance (1 of 4 stars; one submission).

Conditions:
Cardiovascular phenotype. Identifiers: MedGen CN230736.
Hereditary cancer-predisposing syndrome. Also called: Neoplastic Syndromes, Hereditary; Tumor predisposition; Hereditary Cancer Syndrome; Hereditary neoplastic syndrome. Identifiers: Orphanet 140162, MedGen C0027672, MeSH D009386, MONDO:0015356.

Submission:

Ambry Genetics
Classification: Uncertain significance for Cardiovascular phenotype; Hereditary cancer-predisposing syndrome. Last evaluated: 2021-11-18. Review status: criteria provided, single submitter. Criteria: Ambry Variant Classification Scheme 2023. Collection method: clinical testing. Allele origin: germline.
Comment: The p.F2140Y variant (also known as c.6419T>A), located in coding exon 42 of the NF1 gene, results from a T to A substitution at nucleotide position 6419. The phenylalanine at codon 2140 is replaced by tyrosine, an amino acid with highly similar properties. This amino acid position is highly conserved in available vertebrate species. In addition, the in silico prediction for this alteration is inconclusive. Since supporting evidence is limited at this time, the clinical significance of this alteration remains unclear.

NM_001042492.3(NF1):c.6482T>A (p.Phe2161Tyr)

Gene: NF1 (neurofibromin 1; plus strand). Cytogenetic location: 17q11.2.
Variant type: single nucleotide variant.
Coding change: c.6482T>A on transcript NM_001042492.3 (MANE Select); coding-DNA position 6482, T replaced by A.
Protein change: p.Phe2161Tyr; replaces phenylalanine 2161 with tyrosine.
Molecular consequence: missense variant.
Genome position (GRCh38, 1-based): chr17:31,337,422, T>A. VCF-style: chr17-31337422-T-A. GRCh37 (hg19) VCF-style: chr17-29664440-T-A.
Other names: c.6419T>A, p.Phe2140Tyr (NM_000267.4); short protein forms F2140Y, F2161Y.
Identifiers: ClinVar variation 1753415 (VCV001753415.2), dbSNP rs2151556126, ClinGen allele CA399013105.